The following is an entry in ClinVar:

ClinVar aggregate classification (germline): Uncertain significance (1 of 4 stars; one submission).

Conditions:
Immunodeficiency 14 (IMD14A). Also called: ACTIVATED PI3K-DELTA SYNDROME 1; IMMUNODEFICIENCY 14A WITH LYMPHOPROLIFERATION, AUTOSOMAL DOMINANT; Activated PI3K Delta Syndrome Type 1 (APDS1); p110-DELTA-ACTIVATING MUTATION CAUSING SENESCENT T CELLS, LYMPHADENOPATHY, AND IMMUNODEFICIENCY. Identifiers: Orphanet 397596, Orphanet 693661, MedGen C5907821, MONDO:0014222, OMIM 615513.

Allele frequency attached by ClinVar (database versions not stated): gnomAD exomes 0.00002 and 0.00005; TOPMed 0.00002; gnomAD 0.00003 and 0.00004; ExAC 0.00007.
gnomAD v4.1: 29 of 1,611,026 alleles (0.0018%); highest among the groups gnomAD compares: South Asian, 0.0033%; no homozygotes.

Submission:

Labcorp Genetics (formerly Invitae), Labcorp
Classification: Uncertain significance for Activated PI3K-delta syndrome. Last evaluated: 2025-12-21. Review status: criteria provided, single submitter. Criteria: Invitae Variant Classification Sherloc (09022015). Collection method: clinical testing. Allele origin: germline.
Comment: This sequence change replaces valine, which is neutral and non-polar, with methionine, which is neutral and non-polar, at codon 212 of the PIK3CD protein (p.Val212Met). This variant is present in population databases (rs781191290, gnomAD 0.01%). This variant has not been reported in the literature in individuals affected with PIK3CD-related conditions. ClinVar contains an entry for this variant (Variation ID: 958596). Invitae Evidence Modeling of protein sequence and biophysical properties (such as structural, functional, and spatial information, amino acid conservation, physicochemical variation, residue mobility, and thermodynamic stability) indicates that this missense variant is not expected to disrupt PIK3CD protein function with a negative predictive value of 80%. In summary, the available evidence is currently insufficient to determine the role of this variant in disease. Therefore, it has been classified as a Variant of Uncertain Significance.

NM_005026.5(PIK3CD):c.634G>A (p.Val212Met)

Gene: PIK3CD (phosphatidylinositol-4,5-bisphosphate 3-kinase catalytic subunit delta; plus strand). Cytogenetic location: 1p36.22.
Variant type: single nucleotide variant.
Coding change: c.634G>A on transcript NM_005026.5 (MANE Select); coding-DNA position 634, G replaced by A.
Protein change: p.Val212Met; replaces valine 212 with methionine.
Molecular consequence: missense variant.
Genome position (GRCh38, 1-based): chr1:9,716,473, G>A. VCF-style: chr1-9716473-G-A. GRCh37 (hg19) VCF-style: chr1-9776531-G-A.
Other names: c.634G>A, p.Val212Met (NM_001350234.2, NM_001350235.1); short protein forms V212M.
Identifiers: ClinVar variation 958596 (VCV000958596.10), dbSNP rs781191290, ClinGen allele CA576944.